The following is an entry in ClinVar:

ClinVar aggregate classification (germline): Benign. Review status: criteria provided, multiple submitters, no conflicts (2 of 4 stars). 2 submissions from 2 submitters: Benign (2). Last evaluated 2018-01-13.

Conditions:
Cataract 4 multiple types. Also called: CATARACT 4, MULTIPLE TYPES, WITH OR WITHOUT MICROCORNEA; CATARACT 4 WITH MICROCORNEA; CATARACT 4, PUNCTATE; CATARACT 4, CRYSTALLINE; CATARACT 4, CENTRAL NUCLEAR; CATARACT 4, NONNUCLEAR POLYMORPHIC CONGENITAL. Identifiers: Orphanet 1377, MedGen C3540850, MONDO:0007281, OMIM 115700.

Allele frequency attached by ClinVar (database versions not stated): ExAC 0.00012; gnomAD 0.00013; 1000 Genomes Project 0.00020; gnomAD exomes 0.00020 and 0.00031; TOPMed 0.00022.
gnomAD v4.1: 312 of 1,537,792 alleles (0.02%); highest among the groups gnomAD compares: Middle Eastern, 0.82%; no homozygotes.

Submissions (2):

Illumina Laboratory Services, Illumina
Classification: Benign for Cataract 4 multiple types. Last evaluated: 2018-01-13. Review status: criteria provided, single submitter. Criteria: ICSL Variant Classification Criteria 13 December 2019. Collection method: clinical testing. Allele origin: germline.
Comment: This variant was observed in the ICSL laboratory as part of a predisposition screen in an ostensibly healthy population. It had not been previously curated by ICSL or reported in the Human Gene Mutation Database (HGMD: prior to June 1st, 2018), and was therefore a candidate for classification through an automated scoring system. Utilizing variant allele frequency, disease prevalence and penetrance estimates, and inheritance mode, an automated score was calculated to assess if this variant is too frequent to cause the disease. Based on the score and internal cut-off values, a variant classified as benign is not then subjected to further curation. The score for this variant resulted in a classification of benign for this disease.

Breakthrough Genomics
Classification: Benign. Review status: criteria provided, single submitter. Criteria: ACMG Guidelines, 2015. Collection method: not provided. Allele origin: germline. Inheritance: Autosomal dominant inheritance. Affected: yes.

NM_006891.4(CRYGD):c.-40C>T

Genes: CRYGD (crystallin gamma D; minus strand), LOC100507443 (uncharacterized LOC100507443; plus strand). Cytogenetic location: 2q33.3.
Variant type: single nucleotide variant.
Coding change: c.-40C>T on transcript NM_006891.4 (MANE Select); 40 bases upstream of the start codon, C replaced by T.
Molecular consequence: 5 prime UTR variant.
Genome position (GRCh38, 1-based): chr2:208,124,513, G>A on the plus strand (C>T on the coding strand, the complement: CRYGD is on the minus strand). VCF-style: chr2-208124513-G-A. GRCh37 (hg19) VCF-style: chr2-208989237-G-A.
Identifiers: ClinVar variation 333878 (VCV000333878.6), dbSNP rs113618781, ClinGen allele CA2077804.